The following is an entry in ClinVar:

NM_001366385.1(CARD14):c.2579G>T (p.Ser860Ile)

Genes: CARD14 (caspase recruitment domain family member 14; plus strand), SGSH (N-sulfoglucosamine sulfohydrolase; minus strand), LOC126862662 (MED14-independent group 3 enhancer GRCh37_chr17:78178385-78179584; plus strand). Cytogenetic location: 17q25.3.
Variant type: single nucleotide variant.
Coding change: c.2579G>T on transcript NM_001366385.1 (MANE Select); coding-DNA position 2579, G replaced by T.
Protein change: p.Ser860Ile; replaces serine 860 with isoleucine.
Molecular consequence: missense variant. On other transcripts: non-coding transcript variant (1).
Genome position (GRCh38, 1-based): chr17:80,205,540, G>T. VCF-style: chr17-80205540-G-T. GRCh37 (hg19) VCF-style: chr17-78179339-G-T.
Other names: c.2579G>T, p.Ser860Ile (NM_024110.4); short protein forms S860I.
Identifiers: ClinVar variation 1694236 (VCV001694236.6), dbSNP rs865872056, ClinGen allele CA294883699.

ClinVar aggregate classification (germline): Uncertain significance. Review status: criteria provided, multiple submitters, no conflicts (2 of 4 stars). 2 submissions from 2 submitters: Uncertain significance (2). Last evaluated 2023-11-27.

Conditions:
Autoinflammatory syndrome. Identifiers: Orphanet 93665, MedGen C3890737, MONDO:0019751.
Psoriasis 2. Identifiers: MedGen C1864497, MONDO:0011269, OMIM 602723.
Pityriasis rubra pilaris (PRP). Also called: Pityriasis rubra pilaris--familial type. Identifiers: Orphanet 2897, MedGen C0032027, MONDO:0100017, OMIM 173200, MONDO:0008251.

Allele frequency attached by ClinVar (database versions not stated): gnomAD exomes below 0.00001 and 0.00001; gnomAD 0.00001.

Submissions (2):

Labcorp Genetics (formerly Invitae), Labcorp
Classification: Uncertain significance for Pityriasis rubra pilaris; Psoriasis 2. Last evaluated: 2023-11-27. Review status: criteria provided, single submitter. Criteria: Invitae Variant Classification Sherloc (09022015). Collection method: clinical testing. Allele origin: germline.
Comment: This sequence change replaces serine, which is neutral and polar, with isoleucine, which is neutral and non-polar, at codon 860 of the CARD14 protein (p.Ser860Ile). The frequency data for this variant in the population databases is considered unreliable, as metrics indicate poor data quality at this position in the gnomAD database. This variant has not been reported in the literature in individuals affected with CARD14-related conditions. ClinVar contains an entry for this variant (Variation ID: 1694236). Advanced modeling of protein sequence and biophysical properties (such as structural, functional, and spatial information, amino acid conservation, physicochemical variation, residue mobility, and thermodynamic stability) performed at Invitae indicates that this missense variant is expected to disrupt CARD14 protein function with a positive predictive value of 80%. In summary, the available evidence is currently insufficient to determine the role of this variant in disease. Therefore, it has been classified as a Variant of Uncertain Significance.

Genome Diagnostics Laboratory, The Hospital for Sick Children
Classification: Uncertain significance for Autoinflammatory syndrome. Last evaluated: 2022-03-04. Review status: criteria provided, single submitter. Criteria: ACMG Guidelines, 2015. Collection method: clinical testing. Allele origin: germline. Affected: yes.